The following is an entry in ClinVar:

NM_001375405.1(CEP120):c.1720C>T (p.Arg574Cys)

Gene: CEP120 (centrosomal protein 120; minus strand). Cytogenetic location: 5q23.2.
Variant type: single nucleotide variant.
Coding change: c.1720C>T on transcript NM_001375405.1 (MANE Select); coding-DNA position 1720, C replaced by T.
Protein change: p.Arg574Cys; replaces arginine 574 with cysteine.
Molecular consequence: missense variant. On other transcripts: non-coding transcript variant (1).
Genome position (GRCh38, 1-based): chr5:123,384,994, G>A on the plus strand (C>T on the coding strand, the complement: CEP120 is on the minus strand). VCF-style: chr5-123384994-G-A. GRCh37 (hg19) VCF-style: chr5-122720688-G-A.
Other names: c.1642C>T, p.Arg548Cys (NM_001166226.2); c.1585C>T, p.Arg529Cys (NM_001375406.1); c.1720C>T, p.Arg574Cys (NM_001375407.1, NM_153223.4); c.1147C>T, p.Arg383Cys (NM_001375408.1, NM_001375409.1); short protein forms R529C, R383C, R548C, R574C.
Identifiers: ClinVar variation 2148635 (VCV002148635.4), dbSNP rs1336252873, ClinGen allele CA360902313.

ClinVar aggregate classification (germline): Uncertain significance (1 of 4 stars; one submission).

Conditions:
Short-rib thoracic dysplasia 13 with or without polydactyly (SRTD13). Identifiers: Orphanet 474, MedGen C4225378, MONDO:0014577, OMIM 616300.

Allele frequency attached by ClinVar (database versions not stated): gnomAD exomes below 0.00001; TOPMed 0.00003.
gnomAD v4.1: 7 of 1,613,090 alleles (0.00043%); highest among the groups gnomAD compares: Admixed American, 0.0017%; no homozygotes.

Submission:

Labcorp Genetics (formerly Invitae), Labcorp
Classification: Uncertain significance for Short-rib thoracic dysplasia 13 with or without polydactyly. Last evaluated: 2023-01-24. Review status: criteria provided, single submitter. Criteria: Invitae Variant Classification Sherloc (09022015). Collection method: clinical testing. Allele origin: germline.
Comment: This sequence change replaces arginine, which is basic and polar, with cysteine, which is neutral and slightly polar, at codon 574 of the CEP120 protein (p.Arg574Cys). This variant is not present in population databases (gnomAD no frequency). This variant has not been reported in the literature in individuals affected with CEP120-related conditions. Advanced modeling of protein sequence and biophysical properties (such as structural, functional, and spatial information, amino acid conservation, physicochemical variation, residue mobility, and thermodynamic stability) performed at Invitae indicates that this missense variant is expected to disrupt CEP120 protein function. In summary, the available evidence is currently insufficient to determine the role of this variant in disease. Therefore, it has been classified as a Variant of Uncertain Significance.